The following is an entry in ClinVar:

ClinVar aggregate classification (germline): Conflicting classifications of pathogenicity. Review status: criteria provided, conflicting classifications (1 of 4 stars). 2 submissions from 2 submitters: Uncertain significance (1); Benign (1). Last evaluated 2025-07-17.

Conditions:
Tuberous sclerosis 2 (TSC2). Identifiers: Orphanet 805, MedGen C1860707, MONDO:0013199, OMIM 613254.
Hereditary cancer-predisposing syndrome. Also called: Tumor predisposition; Hereditary Cancer Syndrome; Hereditary neoplastic syndrome; Neoplastic Syndromes, Hereditary. Identifiers: Orphanet 140162, MedGen C0027672, MeSH D009386, MONDO:0015356.

Allele frequency attached by ClinVar (database versions not stated): gnomAD exomes below 0.00001.
gnomAD v4.1: 2 of 1,612,950 alleles (0.00012%); highest among the groups gnomAD compares: Non-Finnish European, 0.00017%; no homozygotes.

Submissions (2):

Ambry Genetics
Classification: Uncertain significance for Hereditary cancer-predisposing syndrome. Last evaluated: 2025-07-17. Review status: criteria provided, single submitter. Criteria: Ambry Variant Classification Scheme 2023. Collection method: clinical testing. Allele origin: germline.
Comment: The p.Q1148R variant (also known as c.3443A>G), located in coding exon 29 of the TSC2 gene, results from an A to G substitution at nucleotide position 3443. The glutamine at codon 1148 is replaced by arginine, an amino acid with highly similar properties. This amino acid position is conserved. In addition, the in silico prediction for this alteration is inconclusive. Based on the available evidence, the clinical significance of this variant remains unclear.

Labcorp Genetics (formerly Invitae), Labcorp
Classification: Benign for Tuberous sclerosis 2. Last evaluated: 2024-07-24. Review status: criteria provided, single submitter. Criteria: Invitae Variant Classification Sherloc (09022015). Collection method: clinical testing. Allele origin: germline.

NM_000548.5(TSC2):c.3443A>G (p.Gln1148Arg)

Gene: TSC2 (TSC complex subunit 2; plus strand). Cytogenetic location: 16p13.3.
Variant type: single nucleotide variant.
Coding change: c.3443A>G on transcript NM_000548.5 (MANE Select); coding-DNA position 3443, A replaced by G.
Protein change: p.Gln1148Arg; replaces glutamine 1148 with arginine.
Molecular consequence: missense variant.
Genome position (GRCh38, 1-based): chr16:2,080,210, A>G. VCF-style: chr16-2080210-A-G. GRCh37 (hg19) VCF-style: chr16-2130211-A-G.
Other names: c.3311A>G, p.Gln1104Arg (NM_001077183.3, NM_001370404.1, NM_001406665.1); c.3443A>G, p.Gln1148Arg (NM_001114382.3); c.3203A>G, p.Gln1068Arg (NM_001318827.2); c.3167A>G, p.Gln1056Arg (NM_001318829.2); c.2711A>G, p.Gln904Arg (NM_001318831.2, NM_001406687.1, NM_001406688.1); c.3344A>G, p.Gln1115Arg (NM_001318832.2); c.3314A>G, p.Gln1105Arg (NM_001363528.2, NM_001370405.1, NM_021055.3); c.3440A>G, p.Gln1147Arg (NM_001406663.1, NM_001406664.1); and 18 more; short protein forms Q1055R, Q1056R, Q1104R, Q1115R, Q1147R, Q1148R, Q904R, Q905R.
Identifiers: ClinVar variation 2072370 (VCV002072370.5), dbSNP rs1217539900, ClinGen allele CA394288705.
Genomic context (GRCh38, chr16:2,080,210, plus strand): 5'-TGCCCTCTTCTTCAGGGGGCCATGGTCTTCGAGTTGGCGCCCTGGACGTGCCGGCCTCCC[A>G]GTTCCTGGGCAGTGCCACTTCTCCAGGACCACGGACTGCACCAGCCGCGAAACCTGAGAA-3'
Protein context (NP_000539.2, residues 1138-1158): RVGALDVPAS[Gln1148Arg]FLGSATSPGP